The following is an entry in ClinVar:

ClinVar aggregate classification (germline): Uncertain significance (1 of 4 stars; one submission).

Conditions:
Oligodontia-cancer predisposition syndrome. Also called: TOOTH AGENESIS-COLORECTAL CANCER SYNDROME. Identifiers: Orphanet 300576, MedGen C1837750, MONDO:0012075, OMIM 608615. Disease mechanism: loss of function.

Submission:

Labcorp Genetics (formerly Invitae), Labcorp
Classification: Uncertain significance for Oligodontia-cancer predisposition syndrome. Last evaluated: 2019-11-07. Review status: criteria provided, single submitter. Criteria: Invitae Variant Classification Sherloc (09022015). Collection method: clinical testing. Allele origin: germline.
Comment: This sequence change replaces glutamic acid with glutamine at codon 232 of the AXIN2 protein (p.Glu232Gln). The glutamic acid residue is highly conserved and there is a small physicochemical difference between glutamic acid and glutamine. This variant is not present in population databases (ExAC no frequency). This variant has not been reported in the literature in individuals with AXIN2-related conditions. Algorithms developed to predict the effect of missense changes on protein structure and function are either unavailable or do not agree on the potential impact of this missense change (SIFT: "Tolerated"; PolyPhen-2: "Probably Damaging"; Align-GVGD: "Class C0"). In summary, the available evidence is currently insufficient to determine the role of this variant in disease. Therefore, it has been classified as a Variant of Uncertain Significance.

NM_004655.4(AXIN2):c.694G>C (p.Glu232Gln)

Gene: AXIN2 (axin 2; minus strand). Cytogenetic location: 17q24.1.
Variant type: single nucleotide variant.
Coding change: c.694G>C on transcript NM_004655.4 (MANE Select); coding-DNA position 694, G replaced by C.
Protein change: p.Glu232Gln; replaces glutamic acid 232 with glutamine.
Molecular consequence: missense variant.
Genome position (GRCh38, 1-based): chr17:65,557,927, C>G on the plus strand (G>C on the coding strand, the complement: AXIN2 is on the minus strand). VCF-style: chr17-65557927-C-G. GRCh37 (hg19) VCF-style: chr17-63554045-C-G.
Other names: c.694G>C, p.Glu232Gln (NM_001363813.1); short protein forms E232Q.
Identifiers: ClinVar variation 967761 (VCV000967761.9), dbSNP rs1598119131, ClinGen allele CA400680474.